The following is an entry in ClinVar:

ClinVar aggregate classification (germline): Uncertain significance (1 of 4 stars; one submission).

Conditions:
Neuropathy, hereditary sensory and autonomic, type 2A (HSAN2A). Also called: ACROOSTEOLYSIS, GIACCAI TYPE; ACROOSTEOLYSIS, NEUROGENIC; MORVAN DISEASE; NEUROPATHY, CONGENITAL SENSORY; NEUROPATHY, HEREDITARY SENSORY RADICULAR, AUTOSOMAL RECESSIVE; NEUROPATHY, HEREDITARY SENSORY, TYPE IIA. Identifiers: Orphanet 970, MedGen C2752089, MONDO:0024309, OMIM 201300.
Pseudohypoaldosteronism type 2C (PHA2C). Also called: Pseudohypoaldosteronism Type IIC. Identifiers: Orphanet 757, Orphanet 88940, MedGen C1840391, MONDO:0013778, OMIM 614492.

Allele frequency attached by ClinVar (database versions not stated): gnomAD exomes below 0.00001; TOPMed below 0.00001.
gnomAD v4.1: 1 of 1,614,076 alleles (0.000062%); highest among the groups gnomAD compares: African/African-American, 0.0013%; no homozygotes.

Submission:

Labcorp Genetics (formerly Invitae), Labcorp
Classification: Uncertain significance for Neuropathy, hereditary sensory and autonomic, type 2A; Pseudohypoaldosteronism type 2C. Last evaluated: 2023-06-14. Review status: criteria provided, single submitter. Criteria: Invitae Variant Classification Sherloc (09022015). Collection method: clinical testing. Allele origin: germline.
Comment: This variant has not been reported in the literature in individuals affected with WNK1-related conditions. In summary, the available evidence is currently insufficient to determine the role of this variant in disease. Therefore, it has been classified as a Variant of Uncertain Significance. Advanced modeling of protein sequence and biophysical properties (such as structural, functional, and spatial information, amino acid conservation, physicochemical variation, residue mobility, and thermodynamic stability) performed at Invitae indicates that this missense variant is not expected to disrupt WNK1 protein function. This variant is not present in population databases (gnomAD no frequency). This sequence change replaces methionine, which is neutral and non-polar, with isoleucine, which is neutral and non-polar, at codon 2526 of the WNK1 protein (p.Met2526Ile).

NM_018979.4(WNK1):c.6822G>T (p.Met2274Ile)

Gene: WNK1 (WNK lysine deficient protein kinase 1; plus strand). Cytogenetic location: 12p13.33.
Variant type: single nucleotide variant.
Coding change: c.6822G>T on transcript NM_018979.4 (MANE Select); coding-DNA position 6822, G replaced by T.
Protein change: p.Met2274Ile; replaces methionine 2274 with isoleucine.
Molecular consequence: missense variant.
Genome position (GRCh38, 1-based): chr12:908,025, G>T. VCF-style: chr12-908025-G-T. GRCh37 (hg19) VCF-style: chr12-1017191-G-T.
Other names: c.7602G>T, p.Met2534Ile (NM_001184985.2); c.6078G>T, p.Met2026Ile (NM_014823.3); c.7578G>T, p.Met2526Ile (NM_213655.5); short protein forms M2526I, M2026I, M2534I, M2274I.
Identifiers: ClinVar variation 2948825 (VCV002948825.3), dbSNP rs1955847665, ClinGen allele CA383340706.